The following is an entry in ClinVar:

ClinVar aggregate classification (germline): Pathogenic. Review status: criteria provided, multiple submitters, no conflicts (2 of 4 stars). 2 submissions from 2 submitters: Pathogenic (2). Last evaluated 2025-05-07.

Conditions:
Lethal multiple pterygium syndrome (LMPS). Identifiers: Orphanet 33108, MedGen C1854678, MONDO:0009668, OMIM 253290.

Allele frequency attached by ClinVar (database versions not stated): gnomAD exomes 0.00001.

Submissions (2):

GeneDx
Classification: Pathogenic. Last evaluated: 2025-05-07. Review status: criteria provided, single submitter. Criteria: GeneDx Variant Classification Process June 2021. Collection method: clinical testing. Allele origin: germline.
Comment: Frameshift variant predicted to result in protein truncation or nonsense mediated decay in a gene for which loss of function is a known mechanism of disease; Not observed at significant frequency in large population cohorts (gnomAD); Has not been previously published as pathogenic or benign to our knowledge

Labcorp Genetics (formerly Invitae), Labcorp
Classification: Pathogenic for Lethal multiple pterygium syndrome. Last evaluated: 2022-08-27. Review status: criteria provided, single submitter. Criteria: Invitae Variant Classification Sherloc (09022015). Collection method: clinical testing. Allele origin: germline.
Comment: For these reasons, this variant has been classified as Pathogenic. ClinVar contains an entry for this variant (Variation ID: 657502). This variant has not been reported in the literature in individuals affected with CHRND-related conditions. This variant is not present in population databases (gnomAD no frequency). This sequence change creates a premature translational stop signal (p.Ala176Tyrfs*27) in the CHRND gene. It is expected to result in an absent or disrupted protein product. Loss-of-function variants in CHRND are known to be pathogenic (PMID: 11435464, 25264167).

Literature cited by the submitters: PubMed 11435464 (cited by Labcorp Genetics (formerly Invitae), Labcorp); PubMed 25264167 (cited by Labcorp Genetics (formerly Invitae), Labcorp).

NM_000751.3(CHRND):c.521_524dup (p.Ala176fs)

Gene: CHRND (cholinergic receptor nicotinic delta subunit; plus strand). Cytogenetic location: 2q37.1.
Variant type: Duplication.
Coding change: c.521_524dup on transcript NM_000751.3 (MANE Select); coding-DNA positions 521 to 524, 4 bases duplicated (ATAC; older notation c.521_524dupATAC).
Protein change: p.Ala176fs; shifts the reading frame from alanine 176.
Molecular consequence: frameshift variant. On other transcripts: intron variant (1).
Genome position (GRCh38, 1-based): chr2:232,528,873-232,528,876, ATAC duplicated. VCF-style (leftmost placement, unchanged base first): chr2-232528872-T-TATAC. GRCh37 (hg19) VCF-style: chr2-233393582-T-TATAC.
Other names: c.521_524dupATAC (NM_000751.2); c.476_479dup, p.Ala161fs (NM_001256657.2); c.218_221dup, p.Ala75fs (NM_001311196.2); c.238+217_238+220dup (NM_001311195.2); c.521_524dup (NM_000751.2); short protein forms A176fs, A75fs, A161fs.
Identifiers: ClinVar variation 657502 (VCV000657502.8), dbSNP rs1574630951, ClinGen allele CA915941786.